The following is an entry in ClinVar:

ClinVar aggregate classification (germline): Likely pathogenic (1 of 4 stars; one submission).

Conditions:
Familial thoracic aortic aneurysm and aortic dissection (TAAD). Also called: Thoracic aortic aneurysms and dissections. Identifiers: Orphanet 91387, MedGen C4707243, MONDO:0019625.

Submission:

Ambry Genetics
Classification: Likely pathogenic for Familial thoracic aortic aneurysm and aortic dissection. Last evaluated: 2019-03-22. Review status: criteria provided, single submitter. Criteria: Ambry Variant Classification Scheme 2023. Collection method: clinical testing. Allele origin: germline.
Comment: The p.G2668D variant (also known as c.8003G>A), located in coding exon 63 of the FBN1 gene, results from a G to A substitution at nucleotide position 8003. The glycine at codon 2668 is replaced by aspartic acid, an amino acid with similar properties, and is located in the cb EGF-like #43 domain. This alteration has been detected in patients reported to have Marfan syndrome (Stheneur C et al. Eur J Hum Genet. 2009;17:1121-8; Aalberts JJ et al. Gene. 2014;534:40-3). Another alteration affecting this amino acid (p.G2668C) has also been reported in association with Marfan syndrome (Loeys B et al. Arch Intern Med. 2001;161(20):2447-54). This amino acid position is highly conserved in available vertebrate species. In addition, this alteration is predicted to be deleterious by in silico analysis. Based on the majority of available evidence to date, this variant is likely to be pathogenic.

Literature cited by the submitters: PubMed 11700157; PubMed 19293843; PubMed 24161884.

NM_000138.5(FBN1):c.8003G>A (p.Gly2668Asp)

Gene: FBN1 (fibrillin 1; minus strand). Cytogenetic location: 15q21.1.
Variant type: single nucleotide variant.
Coding change: c.8003G>A on transcript NM_000138.5 (MANE Select); coding-DNA position 8003, G replaced by A.
Protein change: p.Gly2668Asp; replaces glycine 2668 with aspartic acid.
Molecular consequence: missense variant.
Genome position (GRCh38, 1-based): chr15:48,415,584, C>T on the plus strand (G>A on the coding strand, the complement: FBN1 is on the minus strand). VCF-style: chr15-48415584-C-T. GRCh37 (hg19) VCF-style: chr15-48707781-C-T.
Other names: short protein forms G2668D.
Identifiers: ClinVar variation 519752 (VCV000519752.5), dbSNP rs1555393837, ClinGen allele CA392322697.